The following is an entry in ClinVar:

NM_000038.6(APC):c.729+8A>G

Gene: APC (APC regulator of Wnt signaling pathway; plus strand). Cytogenetic location: 5q22.2.
Variant type: single nucleotide variant.
Coding change: c.729+8A>G on transcript NM_000038.6 (MANE Select); 8 bases into the intron after coding-DNA position 729, A replaced by G.
Molecular consequence: intron variant.
Genome position (GRCh38, 1-based): chr5:112,792,537, A>G. VCF-style: chr5-112792537-A-G. GRCh37 (hg19) VCF-style: chr5-112128234-A-G.
Other names: c.729+8A>G (NM_001354895.2, NM_001127510.3, NM_001354896.2 and 1 more transcripts); c.759+8A>G (NM_001354897.2, NM_001354902.2); c.676-8742A>G (NM_001127511.3); c.654+8A>G (NM_001354898.2, NM_001354904.2); c.-307+8A>G (NM_001354906.2); c.646-8742A>G (NM_001354899.2); c.552+8A>G (NM_001354900.2, NM_001354901.2, NM_001354905.2).
Identifiers: ClinVar variation 1103461 (VCV001103461.11), dbSNP rs2149684961, ClinGen allele CA2499217415.

ClinVar aggregate classification (germline): Likely benign. Review status: criteria provided, multiple submitters, no conflicts (2 of 4 stars). 2 submissions from 2 submitters: Likely benign (2). Last evaluated 2024-02-26.

Conditions:
Familial adenomatous polyposis 1 (FAP1). Also called: FAMILIAL ADENOMATOUS POLYPOSIS 1, ATTENUATED; POLYPOSIS, ADENOMATOUS INTESTINAL. Identifiers: MedGen C2713442, MONDO:0021056, OMIM 175100. Disease mechanism: loss of function.

gnomAD v4.1: 1 of 1,607,826 alleles (0.000062%); no homozygotes.

Submissions (2):

Myriad Genetics, Inc.
Classification: Likely benign for Familial adenomatous polyposis 1. Last evaluated: 2024-02-26. Review status: criteria provided, single submitter. Criteria: Myriad Autosomal Dominant, Autosomal Recessive and X-Linked Classification Criteria (2023). Collection method: clinical testing. Allele origin: unknown.
Comment: This variant is considered likely benign. This variant is intronic and is not expected to impact mRNA splicing.

Labcorp Genetics (formerly Invitae), Labcorp
Classification: Likely benign for Familial adenomatous polyposis 1. Last evaluated: 2019-09-12. Review status: criteria provided, single submitter. Criteria: Invitae Variant Classification Sherloc (09022015). Collection method: clinical testing. Allele origin: germline.